The following is an entry in ClinVar:

ClinVar aggregate classification (germline): Benign (1 of 4 stars; one submission).

Allele frequency attached by ClinVar (database versions not stated): TOPMed 0.38745; gnomAD 0.39181; 1000 Genomes Project 30x 0.45800; 1000 Genomes Project 0.45946.
gnomAD v4.1: 648,375 of 1,597,104 alleles (41%); highest among the groups gnomAD compares: South Asian, 59%; 134,311 homozygotes.

Submission:

Unidad de Genómica Garrahan, Hospital de Pediatría Garrahan
Classification: Benign. Last evaluated: 2023-11-12. Review status: criteria provided, single submitter. Criteria: ACMG Guidelines, 2015. Collection method: clinical testing. Allele origin: germline. Affected: no. Observed: 66 variant alleles.
Comment: This variant is classified as Benign based on local population frequency. This variant was detected in 69% of patients studied by a panel of primary immunodeficiencies. Number of patients: 66. Only high quality variants are reported.

NM_006509.4(RELB):c.755-65T>C

Gene: RELB (RELB proto-oncogene, NF-kB subunit; plus strand). Cytogenetic location: 19q13.32.
Variant type: single nucleotide variant.
Coding change: c.755-65T>C on transcript NM_006509.4 (MANE Select); 65 bases into the intron before coding-DNA position 755, T replaced by C.
Molecular consequence: intron variant.
Genome position (GRCh38, 1-based): chr19:45,025,541, T>C. VCF-style: chr19-45025541-T-C. GRCh37 (hg19) VCF-style: chr19-45528799-T-C.
Other names: c.746-65T>C (NM_001411087.1).
Identifiers: ClinVar variation 2628130 (VCV002628130.2), dbSNP rs2288918, ClinGen allele CA14644234.